The following is an entry in ClinVar:

NM_016239.4(MYO15A):c.4312C>G (p.Leu1438Val)

Gene: MYO15A (myosin XVA; plus strand). Cytogenetic location: 17p11.2.
Variant type: single nucleotide variant.
Coding change: c.4312C>G on transcript NM_016239.4 (MANE Select); coding-DNA position 4312, C replaced by G.
Protein change: p.Leu1438Val; replaces leucine 1438 with valine.
Molecular consequence: missense variant.
Genome position (GRCh38, 1-based): chr17:18,132,558, C>G. VCF-style: chr17-18132558-C-G. GRCh37 (hg19) VCF-style: chr17-18035872-C-G.
Other names: short protein forms L1438V.
Identifiers: ClinVar variation 3372011 (VCV003372011.3).

ClinVar aggregate classification (germline): Uncertain significance. Review status: criteria provided, multiple submitters, no conflicts (2 of 4 stars). 2 submissions from 2 submitters: Uncertain significance (2). Last evaluated 2025-11-04.

Conditions:
Inborn genetic diseases. Identifiers: MedGen C0950123, MeSH D030342.

gnomAD v4.1: 3 of 1,611,272 alleles (0.00019%); highest among the groups gnomAD compares: Non-Finnish European, 0.00025%; no homozygotes.

Submissions (2):

GeneDx
Classification: Uncertain significance. Last evaluated: 2025-11-04. Review status: criteria provided, single submitter. Criteria: GeneDx Variant Classification Process June 2021. Collection method: clinical testing. Allele origin: germline. Affected: yes.
Comment: Not observed at significant frequency in large population cohorts (gnomAD); In silico analysis supports that this missense variant has a deleterious effect on protein structure/function; Has not been previously published as pathogenic or benign to our knowledge

Ambry Genetics
Classification: Uncertain significance for Inborn genetic diseases. Last evaluated: 2025-03-31. Review status: criteria provided, single submitter. Criteria: Ambry Variant Classification Scheme 2023. Collection method: clinical testing. Allele origin: germline.